The following is an entry in ClinVar:

NM_001365999.1(SZT2):c.7080G>A (p.Trp2360Ter)

Gene: SZT2 (SZT2 subunit of KICSTOR complex; plus strand). Cytogenetic location: 1p34.2.
Variant type: single nucleotide variant.
Coding change: c.7080G>A on transcript NM_001365999.1 (MANE Select); coding-DNA position 7080, G replaced by A.
Protein change: p.Trp2360Ter; replaces tryptophan 2360 with a stop codon.
Molecular consequence: nonsense.
Genome position (GRCh38, 1-based): chr1:43,439,918, G>A. VCF-style: chr1-43439918-G-A. GRCh37 (hg19) VCF-style: chr1-43905589-G-A.
Other names: c.6909G>A, p.Trp2303Ter (NM_015284.4); short protein forms W2360*, W2303*.
Identifiers: ClinVar variation 1452569 (VCV001452569.6), dbSNP rs932654754, ClinGen allele CA21645369.

ClinVar aggregate classification (germline): Pathogenic (1 of 4 stars; one submission).

Allele frequency attached by ClinVar (database versions not stated): TOPMed 0.00002.

Submission:

Labcorp Genetics (formerly Invitae), Labcorp
Classification: Pathogenic. Last evaluated: 2021-01-29. Review status: criteria provided, single submitter. Criteria: Invitae Variant Classification Sherloc (09022015). Collection method: clinical testing. Allele origin: germline.
Comment: For these reasons, this variant has been classified as Pathogenic. This variant has not been reported in the literature in individuals with SZT2-related conditions. This variant is not present in population databases (ExAC no frequency). This sequence change creates a premature translational stop signal (p.Trp2303*) in the SZT2 gene. It is expected to result in an absent or disrupted protein product. Loss-of-function variants in SZT2 are known to be pathogenic (PMID: 23932106, 27248490, 28556953).

Literature cited by the submitters: PubMed 23932106; PubMed 27248490; PubMed 28556953.